The following is an entry in ClinVar:

ClinVar aggregate classification (germline): Uncertain significance (1 of 4 stars; one submission).

Allele frequency attached by ClinVar (database versions not stated): gnomAD exomes below 0.00001.
gnomAD v4.1: 6 of 1,614,142 alleles (0.00037%); highest among the groups gnomAD compares: Non-Finnish European, 0.00042%; no homozygotes.

Submission:

Labcorp Genetics (formerly Invitae), Labcorp
Classification: Uncertain significance. Last evaluated: 2020-10-01. Review status: criteria provided, single submitter. Criteria: Invitae Variant Classification Sherloc (09022015). Collection method: clinical testing. Allele origin: germline.
Comment: This variant is not present in population databases (ExAC no frequency). This sequence change replaces serine with cysteine at codon 1091 of the RBP3 protein (p.Ser1091Cys). The serine residue is highly conserved and there is a moderate physicochemical difference between serine and cysteine. This variant has not been reported in the literature in individuals with RBP3-related conditions. In summary, the available evidence is currently insufficient to determine the role of this variant in disease. Therefore, it has been classified as a Variant of Uncertain Significance. Algorithms developed to predict the effect of missense changes on protein structure and function are either unavailable or do not agree on the potential impact of this missense change (SIFT: "Deleterious"; PolyPhen-2: "Possibly Damaging"; Align-GVGD: "Class C0").

NM_002900.3(RBP3):c.3272C>G (p.Ser1091Cys)

Gene: RBP3 (retinol binding protein 3; plus strand). Cytogenetic location: 10q11.22.
Variant type: single nucleotide variant.
Coding change: c.3272C>G on transcript NM_002900.3 (MANE Select); coding-DNA position 3272, C replaced by G.
Protein change: p.Ser1091Cys; replaces serine 1091 with cysteine.
Molecular consequence: missense variant.
Genome position (GRCh38, 1-based): chr10:47,355,402, C>G. VCF-style: chr10-47355402-C-G. GRCh37 (hg19) VCF-style: chr10-48383960-G-C.
Other names: short protein forms S1091C.
Identifiers: ClinVar variation 1059818 (VCV001059818.9), dbSNP rs1565768629, ClinGen allele CA376676797.